The following is an entry in ClinVar:

NM_012414.4(RAB3GAP2):c.157G>A (p.Glu53Lys)

Gene: RAB3GAP2 (RAB3 GTPase activating non-catalytic protein subunit 2; minus strand). Cytogenetic location: 1q41.
Variant type: single nucleotide variant.
Coding change: c.157G>A on transcript NM_012414.4 (MANE Select); coding-DNA position 157, G replaced by A.
Protein change: p.Glu53Lys; replaces glutamic acid 53 with lysine.
Molecular consequence: missense variant.
Genome position (GRCh38, 1-based): chr1:220,232,822, C>T on the plus strand (G>A on the coding strand, the complement: RAB3GAP2 is on the minus strand). VCF-style: chr1-220232822-C-T. GRCh37 (hg19) VCF-style: chr1-220406164-C-T.
Other names: c.157G>A (NM_012414.3); short protein forms E53K.
Identifiers: ClinVar variation 2200039 (VCV002200039.5), dbSNP rs771959968, ClinGen allele CA1403117.

ClinVar aggregate classification (germline): Uncertain significance. Review status: criteria provided, multiple submitters, no conflicts (2 of 4 stars). 2 submissions from 2 submitters: Uncertain significance (2). Last evaluated 2025-12-02.

Conditions:
Inborn genetic diseases. Identifiers: MedGen C0950123, MeSH D030342.
Martsolf syndrome (MARTS). Also called: Congenital cataract with intellectual disability and hypogonadotropic hypogonadism syndrome. Identifiers: Orphanet 1387, MedGen C0796037, MONDO:0023910.
Warburg micro syndrome 2 (WARBM2). Also called: MICRO SYNDROME 2. Identifiers: Orphanet 2510, MedGen C3280214, MONDO:0013641, OMIM 614225.

Allele frequency attached by ClinVar (database versions not stated): ExAC 0.00002; gnomAD 0.00006; TOPMed 0.00008.
gnomAD v4.1: 20 of 1,613,708 alleles (0.0012%); highest among the groups gnomAD compares: African/African-American, 0.021%; no homozygotes.

Submissions (2):

Ambry Genetics
Classification: Uncertain significance for Inborn genetic diseases. Last evaluated: 2025-12-02. Review status: criteria provided, single submitter. Criteria: Ambry Variant Classification Scheme 2023. Collection method: clinical testing. Allele origin: germline.

Labcorp Genetics (formerly Invitae), Labcorp
Classification: Uncertain significance for Martsolf syndrome; Warburg micro syndrome 2. Last evaluated: 2022-08-19. Review status: criteria provided, single submitter. Criteria: Invitae Variant Classification Sherloc (09022015). Collection method: clinical testing. Allele origin: germline.
Comment: In summary, the available evidence is currently insufficient to determine the role of this variant in disease. Therefore, it has been classified as a Variant of Uncertain Significance. This sequence change replaces glutamic acid, which is acidic and polar, with lysine, which is basic and polar, at codon 53 of the RAB3GAP2 protein (p.Glu53Lys). This variant is present in population databases (rs771959968, gnomAD 0.03%). This variant has not been reported in the literature in individuals affected with RAB3GAP2-related conditions. Algorithms developed to predict the effect of missense changes on protein structure and function (SIFT, PolyPhen-2, Align-GVGD) all suggest that this variant is likely to be tolerated.